The following continues an entry in ClinVar:

NM_000059.4(BRCA2):c.8487+3A>G

Gene: BRCA2. ClinVar aggregate classification (germline): Pathogenic/Likely pathogenic. Pathogenic (3); Likely pathogenic (6).

Submissions 8 to 13 of 13:

Genetics and Molecular Pathology, SA Pathology
Classification: Likely pathogenic for Familial cancer of breast. Last evaluated: 2020-07-15. Review status: criteria provided, single submitter. Criteria: ACMG Guidelines, 2015. Collection method: clinical testing. Allele origin: germline. Affected: yes.

Genomic Medicine Lab, University of California San Francisco
Classification: Likely pathogenic for Neurodevelopmental delay; Cerebral palsy; Hearing impairment. Last evaluated: 2019-01-10. Review status: criteria provided, single submitter. Criteria: ACMG Guidelines, 2015. Collection method: clinical testing. Allele origin: unknown. Inheritance: Autosomal dominant inheritance. Affected: yes. Study: CSER.

PreventionGenetics, part of Exact Sciences
Classification: Pathogenic for BRCA2-related condition. Last evaluated: 2024-03-24. Review status: no assertion criteria provided. Collection method: clinical testing. Allele origin: germline. Not counted in ClinVar's aggregate classification.
Comment: The BRCA2 c.8487+3A>G variant is predicted to interfere with splicing. This variant has been reported along with a second causative variant in individuals with medulloblastoma and Fanconi anemia (DeWire et al. 2009. PubMed ID: 19530235; Chandrasekharappa et al. 2013. PubMed ID: 23613520; Internal Data, PreventionGenetics). This variant has been reported in the heterozygous state in one individual in a cohort study of prospective hereditary breast and ovarian cancer patients (Schenkel et al. 2016. PubMed ID: 27376475). This variant has not been reported in a large population database, indicating this variant is rare. RT-PCR studies suggest this variant impacts mRNA splicing and results in in-frame skipping of exon 19 (Acedo et al. 2012. PubMed ID: 22632462). This variant is interpreted as pathogenic/likely pathogenic in ClinVar. This variant is interpreted as pathogenic.

University of Washington Department of Laboratory Medicine, University of Washington
Classification: Likely pathogenic for Breast-ovarian cancer, familial 2. Last evaluated: 2020-08-20. Review status: no assertion criteria provided. Collection method: clinical testing. Allele origin: germline. Affected: yes. Not counted in ClinVar's aggregate classification.
Comment: Functional RNA splice studies showed that this variant results in skipping of exon 19 of the BRCA2 gene, leading to an in-frame deletion of 155 bases and disruption of the BRCA2 exon 19 donor splice site (internal laboratory data, PMID: 22632462).

Breast Cancer Information Core (BIC) (BRCA2)
Classification: Uncertain significance for Breast-ovarian cancer, familial 2. Last evaluated: 2003-12-23. Review status: no assertion criteria provided. Collection method: clinical testing. Allele origin: germline. Affected: yes. Observed: 1 variant allele. Not counted in ClinVar's aggregate classification.

Department of Pathology and Laboratory Medicine, Sinai Health System
Classification: Likely pathogenic for Malignant tumor of breast. Review status: no assertion criteria provided. Collection method: clinical testing. Allele origin: unknown. Affected: yes. Study: The Canadian Open Genetics Repository (COGR). Not counted in ClinVar's aggregate classification.
Comment: The BRCA2 c.8487+3A>G variant was identified in dbSNP (ID: rs81002806) â€šÃ„ÃºWith uncertain significance alleleâ€šÃ„Ã¹, HGMD as a â€šÃ„ÃºDisease causing mutationâ€šÃ„Ã¹, ClinVar database, the BIC database (1 X with unknown clinical importance), and UMD (1 X as a causal variant). The c.8487+3A>G variant is located in the 5' splice region but does not affect the invariant +1 and +2 positions. However, positions +3 to +6 are part of the splicing consensus sequence and variants involving these positions sometimes affect splicing. In silico or computational prediction software (SpliceSiteFinder, MaxEntScan, NNSPLICE, GeneSplicer, HumanSpliceFinder) predicts a greater than 10% difference in splicing in 3 of 5 different programs; however, this information is not predictive enough to assume pathogenicity. Functional analysis of the variant was performed by lymphocyte RT-PCR and hybrid minigene assays in study by Acedo (2012); the result of the c.8487+3A>G variant was found to be exon 19 skipping. In summary, based on the above information, the clinical significance of this variant cannot be determined with certainty at this time although we would lean towards a more pathogenic role for this variant. This variant is classified as predicted pathogenic.

Literature cited by the submitters: PubMed 23613520 (cited by 3 submitters); PubMed 19530235 (cited by Women's Health and Genetics/Laboratory Corporation of America, LabCorp and Quest Diagnostics Nichols Institute San Juan Capistrano); PubMed 22632462 (cited by 5 submitters); PubMed 24301060 (cited by Women's Health and Genetics/Laboratory Corporation of America, LabCorp); PubMed 27376475 (cited by 5 submitters); PubMed 21548014 (cited by 5 submitters); PubMed 36721989 (cited by Women's Health and Genetics/Laboratory Corporation of America, LabCorp); PubMed 41172994 (cited by Women's Health and Genetics/Laboratory Corporation of America, LabCorp); PubMed 24259538 (cited by Women's Health and Genetics/Laboratory Corporation of America, LabCorp); PubMed 17576681 (cited by Labcorp Genetics (formerly Invitae), Labcorp); PubMed 9536098 (cited by Labcorp Genetics (formerly Invitae), Labcorp); PubMed 26064523 (cited by Quest Diagnostics Nichols Institute San Juan Capistrano); PubMed 25525159 (cited by Quest Diagnostics Nichols Institute San Juan Capistrano).